The following is an entry in ClinVar:

NM_004370.6(COL12A1):c.1112T>G (p.Met371Arg)

Gene: COL12A1 (collagen type XII alpha 1 chain; minus strand). Cytogenetic location: 6q13.
Variant type: single nucleotide variant.
Coding change: c.1112T>G on transcript NM_004370.6 (MANE Select); coding-DNA position 1112, T replaced by G.
Protein change: p.Met371Arg; replaces methionine 371 with arginine.
Molecular consequence: missense variant. On other transcripts: intron variant (2).
Genome position (GRCh38, 1-based): chr6:75,184,030, A>C on the plus strand (T>G on the coding strand, the complement: COL12A1 is on the minus strand). VCF-style: chr6-75184030-A-C. GRCh37 (hg19) VCF-style: chr6-75893746-A-C.
Other names: c.1112T>G, p.Met371Arg (NM_001424113.1, NM_001424114.1, NM_001424115.1); c.73+18690T>G (NM_001424116.1, NM_080645.3); short protein forms M371R.
Identifiers: ClinVar variation 2932605 (VCV002932605.3), dbSNP rs2533573008, ClinGen allele CA364773594.

ClinVar aggregate classification (germline): Uncertain significance (1 of 4 stars; one submission).

Conditions:
Ullrich congenital muscular dystrophy 2 (UCMD2). Identifiers: Orphanet 75840, MedGen C4225314, MONDO:0014654, OMIM 616470.
Bethlem myopathy 2 (BTHLM2). Identifiers: Orphanet 536516, Orphanet 610, MedGen C4225313, MONDO:0034022, OMIM 616471.

Submission:

Labcorp Genetics (formerly Invitae), Labcorp
Classification: Uncertain significance for Bethlem myopathy 2; Ullrich congenital muscular dystrophy 2. Last evaluated: 2022-12-22. Review status: criteria provided, single submitter. Criteria: Invitae Variant Classification Sherloc (09022015). Collection method: clinical testing. Allele origin: germline.
Comment: This variant has not been reported in the literature in individuals affected with COL12A1-related conditions. Advanced modeling of protein sequence and biophysical properties (such as structural, functional, and spatial information, amino acid conservation, physicochemical variation, residue mobility, and thermodynamic stability) has been performed at Invitae for this missense variant, however the output from this modeling did not meet the statistical confidence thresholds required to predict the impact of this variant on COL12A1 protein function. In summary, the available evidence is currently insufficient to determine the role of this variant in disease. Therefore, it has been classified as a Variant of Uncertain Significance. This variant is not present in population databases (gnomAD no frequency). This sequence change replaces methionine, which is neutral and non-polar, with arginine, which is basic and polar, at codon 371 of the COL12A1 protein (p.Met371Arg).